The following is an entry in ClinVar:

NM_007194.4(CHEK2):c.948_951del (p.Lys317fs)

Gene: CHEK2 (checkpoint kinase 2; minus strand). Cytogenetic location: 22q12.1.
Variant type: Deletion.
Coding change: c.948_951del on transcript NM_007194.4 (MANE Select); coding-DNA positions 948 to 951, 4 bases deleted (TAAA; older notation c.948_951delTAAA).
Protein change: p.Lys317fs; shifts the reading frame from lysine 317.
Molecular consequence: frameshift variant.
Genome position (GRCh38, 1-based): chr22:28,699,895-28,699,898, TTTA deleted on the plus strand (TAAA on the coding strand, the reverse complement: CHEK2 is on the minus strand); deleting any 4 consecutive bases within chr22:28,699,895-28,699,900 gives the same sequence; the c. name uses the placement nearest the transcript's 3' end. VCF-style (leftmost placement, unchanged base first): chr22-28699894-GTTTA-G. GRCh37 (hg19) VCF-style: chr22-29095882-GTTTA-G.
Other names: c.1077_1080del, p.Lys360fs (NM_001005735.3, NM_001438294.1); c.285_288del, p.Lys96fs (NM_001257387.3, NM_001437942.1); c.747_750del, p.Lys250fs (NM_001349956.3); c.1041_1044del, p.Lys348fs (NM_001438293.1, NM_001438295.1); c.948_951del, p.Lys317fs (NM_145862.3); short protein forms K317fs, K348fs, K250fs, K360fs, K96fs.
Identifiers: ClinVar variation 4722372 (VCV004722372.1).

ClinVar aggregate classification (germline): Pathogenic (1 of 4 stars; one submission).

Conditions:
Familial cancer of breast. Also called: hereditary breast carcinoma; BREAST CANCER, FAMILIAL; Hereditary breast cancer. Identifiers: Orphanet 227535, MedGen C0346153, MONDO:0016419, OMIM 114480. Disease mechanism: loss of function.

Submission:

Labcorp Genetics (formerly Invitae), Labcorp
Classification: Pathogenic for Familial cancer of breast. Last evaluated: 2025-06-30. Review status: criteria provided, single submitter. Criteria: Invitae Variant Classification Sherloc (09022015). Collection method: clinical testing. Allele origin: germline.
Comment: This sequence change creates a premature translational stop signal (p.Lys317Alafs*2) in the CHEK2 gene. It is expected to result in an absent or disrupted protein product. Loss-of-function variants in CHEK2 are known to be pathogenic (PMID: 21876083, 24713400). This variant is not present in population databases (gnomAD no frequency). This variant has not been reported in the literature in individuals affected with CHEK2-related conditions. For these reasons, this variant has been classified as Pathogenic.

Literature cited by the submitters: PubMed 21876083; PubMed 24713400.